The following is an entry in ClinVar:

ClinVar aggregate classification (germline): Uncertain significance (1 of 4 stars; one submission).

Conditions:
Disseminated atypical mycobacterial infection. Identifiers: MedGen C0694566.

Submission:

Labcorp Genetics (formerly Invitae), Labcorp
Classification: Uncertain significance for Disseminated atypical mycobacterial infection. Last evaluated: 2023-09-12. Review status: criteria provided, single submitter. Criteria: Invitae Variant Classification Sherloc (09022015). Collection method: clinical testing. Allele origin: germline.
Comment: This sequence change affects codon 15 of the IFNGR1 mRNA. It is a 'silent' change, meaning that it does not change the encoded amino acid sequence of the IFNGR1 protein. In summary, the available evidence is currently insufficient to determine the role of this variant in disease. Therefore, it has been classified as a Variant of Uncertain Significance. Algorithms developed to predict the effect of sequence changes on RNA splicing suggest that this variant may create or strengthen a splice site. This variant has not been reported in the literature in individuals affected with IFNGR1-related conditions. This variant is not present in population databases (gnomAD no frequency).

NM_000416.3(IFNGR1):c.45C>T (p.Ser15=)

Gene: IFNGR1 (interferon gamma receptor 1; minus strand). Cytogenetic location: 6q23.3.
Variant type: single nucleotide variant.
Coding change: c.45C>T on transcript NM_000416.3 (MANE Select); coding-DNA position 45, C replaced by T.
Protein change: p.Ser15=; no amino-acid change (serine 15 retained).
Molecular consequence: synonymous variant.
Genome position (GRCh38, 1-based): chr6:137,219,283, G>A on the plus strand (C>T on the coding strand, the complement: IFNGR1 is on the minus strand). VCF-style: chr6-137219283-G-A. GRCh37 (hg19) VCF-style: chr6-137540420-G-A.
Identifiers: ClinVar variation 2980160 (VCV002980160.3), dbSNP rs2114527665, ClinGen allele CA452240056.